The following is an entry in ClinVar:

ClinVar aggregate classification (germline): Conflicting classifications of pathogenicity. Review status: criteria provided, conflicting classifications (1 of 4 stars). 5 submissions from 5 submitters: Uncertain significance (1); Benign (1); Likely benign (3). Last evaluated 2026-09-01.

Conditions:
Autosomal recessive nonsyndromic hearing loss 3. Also called: NEUROSENSORY NONSYNDROMIC RECESSIVE DEAFNESS 3. Identifiers: Orphanet 90636, MedGen C1838263, MONDO:0010860, OMIM 600316.

Allele frequency attached by ClinVar (database versions not stated): 1000 Genomes Project 0.00020; 1000 Genomes Project 30x 0.00078; TOPMed 0.00155; gnomAD 0.00217 and 0.00223; ExAC 0.00638; gnomAD exomes 0.00771.
gnomAD v4.1: 2,302 of 1,192,964 alleles (0.19%); highest among the groups gnomAD compares: Non-Finnish European, 0.19%; 14 homozygotes.

Submissions (5):

CeGaT Center for Human Genetics Tuebingen
Classification: Likely benign. Last evaluated: 2026-09-01. Review status: criteria provided, single submitter. Criteria: CeGaT Center For Human Genetics Tuebingen Variant Classification Criteria Version 2. Collection method: clinical testing. Allele origin: germline. Affected: yes. Observed: 12 variant alleles.
Comment: MYO15A: BS2

Labcorp Genetics (formerly Invitae), Labcorp
Classification: Benign. Last evaluated: 2026-01-15. Review status: criteria provided, single submitter. Criteria: Invitae Variant Classification Sherloc (09022015). Collection method: clinical testing. Allele origin: germline.

Blueprint Genetics
Classification: Likely benign. Last evaluated: 2024-11-25. Review status: criteria provided, single submitter. Criteria: ACMG Guidelines, 2015. Collection method: clinical testing. Allele origin: germline.

GeneDx
Classification: Likely benign. Last evaluated: 2021-06-04. Review status: criteria provided, single submitter. Criteria: GeneDx Variant Classification Process June 2021. Collection method: clinical testing. Allele origin: germline. Affected: yes.

Illumina Laboratory Services, Illumina
Classification: Uncertain significance for Autosomal recessive nonsyndromic hearing loss 3. Last evaluated: 2018-01-13. Review status: criteria provided, single submitter. Criteria: ICSL Variant Classification Criteria 13 December 2019. Collection method: clinical testing. Allele origin: germline.

NM_016239.4(MYO15A):c.2020C>T (p.Pro674Ser)

Gene: MYO15A (myosin XVA; plus strand). Cytogenetic location: 17p11.2.
Variant type: single nucleotide variant.
Coding change: c.2020C>T on transcript NM_016239.4 (MANE Select); coding-DNA position 2020, C replaced by T.
Protein change: p.Pro674Ser; replaces proline 674 with serine.
Molecular consequence: missense variant.
Genome position (GRCh38, 1-based): chr17:18,120,820, C>T. VCF-style: chr17-18120820-C-T. GRCh37 (hg19) VCF-style: chr17-18024134-C-T.
Other names: short protein forms P674S.
Identifiers: ClinVar variation 322123 (VCV000322123.51), dbSNP rs557225435, ClinGen allele CA8423221.